The following is an entry in ClinVar:

ClinVar aggregate classification (germline): Uncertain significance. Review status: criteria provided, single submitter (1 of 4 stars). 2 submissions from 2 submitters: Uncertain significance (1). 1 of the submissions does not count toward it. Last evaluated 2024-06-01.

Conditions:
Fanconi anemia complementation group A (FANCA). Also called: Fanconi anemia, group A; FANCA-Related Fanconi Anemia. Identifiers: Orphanet 84, MedGen C3469521, MONDO:0009215, OMIM 227650.

Allele frequency attached by ClinVar (database versions not stated): gnomAD exomes below 0.00001.
gnomAD v4.1: 1 of 1,614,252 alleles (0.000062%); highest among the groups gnomAD compares: Non-Finnish European, 0.000085%; no homozygotes.

Submissions (2):

Fulgent Genetics
Classification: Uncertain significance for Fanconi anemia complementation group A. Last evaluated: 2024-06-01. Review status: criteria provided, single submitter. Criteria: ACMG Guidelines, 2015. Collection method: clinical testing. Allele origin: germline.

Leiden Open Variation Database
Classification: Pathogenic for Fanconi anemia complementation group A. Last evaluated: 2020-02-28. Review status: no assertion criteria provided. Collection method: curation. Allele origin: germline. Affected: yes. Not counted in ClinVar's aggregate classification.
Comment: Curator: Arleen D. Auerbach. Submitter to LOVD: Johan de Winter.

Literature cited by the submitters: PubMed 17924555 (cited by Leiden Open Variation Database).

NM_000135.4(FANCA):c.2636C>T (p.Ala879Val)

Genes: FANCA (FA complementation group A; minus strand), LOC130059837 (ATAC-STARR-seq lymphoblastoid active region 11420; plus strand). Cytogenetic location: 16q24.3.
Variant type: single nucleotide variant.
Coding change: c.2636C>T on transcript NM_000135.4 (MANE Select); coding-DNA position 2636, C replaced by T.
Protein change: p.Ala879Val; replaces alanine 879 with valine.
Molecular consequence: missense variant.
Genome position (GRCh38, 1-based): chr16:89,765,032, G>A on the plus strand (C>T on the coding strand, the complement: FANCA is on the minus strand). VCF-style: chr16-89765032-G-A. GRCh37 (hg19) VCF-style: chr16-89831440-G-A.
Other names: c.2636C>T, p.Ala879Val (NM_001286167.3); short protein forms A879V.
Identifiers: ClinVar variation 974249 (VCV000974249.2), dbSNP rs375919830, ClinGen allele CA397438828.